The following is an entry in ClinVar:

ClinVar aggregate classification (germline): Uncertain significance (1 of 4 stars; one submission).

Submission:

Labcorp Genetics (formerly Invitae), Labcorp
Classification: Uncertain significance. Last evaluated: 2022-10-25. Review status: criteria provided, single submitter. Criteria: Invitae Variant Classification Sherloc (09022015). Collection method: clinical testing. Allele origin: germline.
Comment: This sequence change replaces threonine, which is neutral and polar, with serine, which is neutral and polar, at codon 50 of the WDR62 protein (p.Thr50Ser). This variant is not present in population databases (gnomAD no frequency). This variant has not been reported in the literature in individuals affected with WDR62-related conditions. Advanced modeling of protein sequence and biophysical properties (such as structural, functional, and spatial information, amino acid conservation, physicochemical variation, residue mobility, and thermodynamic stability) performed at Invitae indicates that this missense variant is not expected to disrupt WDR62 protein function. In summary, the available evidence is currently insufficient to determine the role of this variant in disease. Therefore, it has been classified as a Variant of Uncertain Significance.

NM_001083961.2(WDR62):c.148A>T (p.Thr50Ser)

Gene: WDR62 (WD repeat domain 62; plus strand). Cytogenetic location: 19q13.12.
Variant type: single nucleotide variant.
Coding change: c.148A>T on transcript NM_001083961.2 (MANE Select); coding-DNA position 148, A replaced by T.
Protein change: p.Thr50Ser; replaces threonine 50 with serine.
Molecular consequence: missense variant.
Genome position (GRCh38, 1-based): chr19:36,055,119, A>T. VCF-style: chr19-36055119-A-T. GRCh37 (hg19) VCF-style: chr19-36546021-A-T.
Other names: c.148A>T, p.Thr50Ser (NM_001411145.1, NM_001411146.1, NM_001411147.1 and 1 more transcripts); short protein forms T50S.
Identifiers: ClinVar variation 1972317 (VCV001972317.5), dbSNP rs2513366489, ClinGen allele CA405423068.
Genomic context (GRCh38, chr19:36,055,119, plus strand): 5'-GGCCAGTCCTCCCCGCCCCCCGCCCCACCAATCTGCCTACGGCGGCGGACGCGACTCTCG[A>T]CGGCCTCCGAGGAGACGGTGCAGAACCGGGTGAGAAGCTGCTCGCCATGTCTACCCCAGT-3'
Protein context (NP_001077430.1, residues 40-60): ICLRRRTRLS[Thr50Ser]ASEETVQNRV